The following is an entry in ClinVar:

NM_002906.4(RDX):c.778A>G (p.Ile260Val)

Gene: RDX (radixin; minus strand). Cytogenetic location: 11q22.3.
Variant type: single nucleotide variant.
Coding change: c.778A>G on transcript NM_002906.4 (MANE Select); coding-DNA position 778, A replaced by G.
Protein change: p.Ile260Val; replaces isoleucine 260 with valine.
Molecular consequence: missense variant. On other transcripts: intron variant (2).
Genome position (GRCh38, 1-based): chr11:110,255,306, T>C on the plus strand (A>G on the coding strand, the complement: RDX is on the minus strand). VCF-style: chr11-110255306-T-C. GRCh37 (hg19) VCF-style: chr11-110126031-T-C.
Other names: c.778A>G, p.Ile260Val (NM_001260492.2, NM_001260493.2); c.370A>G, p.Ile124Val (NM_001260494.2); c.-82-7473A>G (NM_001260495.2); c.404+2851A>G (NM_001260496.2); short protein forms I260V, I124V.
Identifiers: ClinVar variation 178527 (VCV000178527.8), dbSNP rs138116275, ClinGen allele CA182496.

ClinVar aggregate classification (germline): Uncertain significance. Review status: criteria provided, multiple submitters, no conflicts (2 of 4 stars). 3 submissions from 3 submitters: Uncertain significance (3). Last evaluated 2022-05-29.

Allele frequency attached by ClinVar (database versions not stated): gnomAD 0.00007 and 0.00008; gnomAD exomes 0.00007; ExAC 0.00008; TOPMed 0.00009; ESP Exome Variant Server 0.00015.
gnomAD v4.1: 96 of 1,578,278 alleles (0.0061%); highest among the groups gnomAD compares: Admixed American, 0.018%; no homozygotes.

Submissions (3):

Labcorp Genetics (formerly Invitae), Labcorp
Classification: Uncertain significance. Last evaluated: 2022-05-29. Review status: criteria provided, single submitter. Criteria: Invitae Variant Classification Sherloc (09022015). Collection method: clinical testing. Allele origin: germline.
Comment: This sequence change replaces isoleucine, which is neutral and non-polar, with valine, which is neutral and non-polar, at codon 260 of the RDX protein (p.Ile260Val). This variant is present in population databases (rs138116275, gnomAD 0.03%). This variant has not been reported in the literature in individuals affected with RDX-related conditions. ClinVar contains an entry for this variant (Variation ID: 178527). Algorithms developed to predict the effect of missense changes on protein structure and function (SIFT, PolyPhen-2, Align-GVGD) all suggest that this variant is likely to be tolerated. In summary, the available evidence is currently insufficient to determine the role of this variant in disease. Therefore, it has been classified as a Variant of Uncertain Significance.

GeneDx
Classification: Uncertain significance. Last evaluated: 2017-07-07. Review status: criteria provided, single submitter. Criteria: GeneDx Variant Classification (06012015). Collection method: clinical testing. Allele origin: germline. Affected: yes.
Comment: The I260V variant in the RDX gene has not been reported previously as a pathogenic variant, nor as a benign variant, to our knowledge. The I260V variant is observed in 3/8070 (0.037%) alleles from individuals of East Asian background and in 3/15758 (0.019%) alleles from individuals of South Asian background, in the ExAC dataset (Lek et al., 2016). The I260V variant is a conservative amino acid substitution, which is not likely to impact secondary protein structure as these residues share similar properties. This substitution occurs at a position that is conserved across species. In silico analysis is inconsistent in its predictions as to whether or not the variant is damaging to the protein structure/function. We interpret I260V as a variant of uncertain significance.

Laboratory for Molecular Medicine, Mass General Brigham Personalized Medicine
Classification: Uncertain significance. Last evaluated: 2013-07-05. Review status: criteria provided, single submitter. Criteria: LMM Criteria. Collection method: clinical testing. Allele origin: germline. Observed: 2 variant alleles.
Comment: The Ile260Val variant in RDX has not been reported in individuals with hearing l oss, but has been identified in 0.01% (1/8570) of European American chromosomes and 0.02% (1/4386) of African American chromosomes by the NHLBI Exome Sequencing Project (dbSNP rs138116275). Although this v ariant has been seen in the general population, its frequency is not high enough to rule out a pathogenic role. While the Ile residue at position 260 is conserv ed across species, computational analyses (biochemical amino acid properties, A lignGVGD, PolyPhen2, and SIFT) suggest that the Ile260Val variant may not impact the protein. However, this computational information is not predictive enough t o rule out pathogenicity. In summary, additional information is needed to determ ine the clinical significance of this variant.